The following is an entry in ClinVar:

ClinVar aggregate classification (germline): Likely benign (0 of 4 stars; one submission).

Conditions:
ANKFY1-related disorder. Also called: ANKFY1-related condition.

Allele frequency attached by ClinVar (database versions not stated): gnomAD 0.00013; TOPMed 0.00013; ESP Exome Variant Server 0.00032.
gnomAD v4.1: 353 of 1,614,064 alleles (0.022%); highest among the groups gnomAD compares: Non-Finnish European, 0.028%; no homozygotes.

Submission:

PreventionGenetics, part of Exact Sciences
Classification: Likely benign for ANKFY1-related condition. Last evaluated: 2020-01-27. Review status: no assertion criteria provided. Collection method: clinical testing. Allele origin: germline.
Comment: This variant is classified as likely benign based on ACMG/AMP sequence variant interpretation guidelines (Richards et al. 2015 PMID: 25741868, with internal and published modifications).

NM_001330063.2(ANKFY1):c.1372+9C>T

Gene: ANKFY1 (ankyrin repeat and FYVE domain containing 1; minus strand). Cytogenetic location: 17p13.2.
Variant type: single nucleotide variant.
Coding change: c.1372+9C>T on transcript NM_001330063.2 (MANE Select); 9 bases into the intron after coding-DNA position 1372, C replaced by T.
Molecular consequence: intron variant.
Genome position (GRCh38, 1-based): chr17:4,194,969, G>A on the plus strand (C>T on the coding strand, the complement: ANKFY1 is on the minus strand). VCF-style: chr17-4194969-G-A. GRCh37 (hg19) VCF-style: chr17-4098264-G-A.
Other names: c.1372+9C>T (NM_016376.5); c.1498+9C>T (NM_001257999.3).
Identifiers: ClinVar variation 3051158 (VCV003051158.2), dbSNP rs202208375, ClinGen allele CA8301477.
Genomic context (GRCh38, chr17:4,194,969, plus strand): 5'-GGCATTTACATGCCATTTCCTGGCGCCTGCAGACCCCAGCGTCGCCCCTTCGGGAGGCAC[G>A]TGCTTTACCTGTCGCCGTGTCAGGTGCGTCTGTGTGGCTGCCGCGCTGGATGAGTCTGGC-3'